The following is an entry in ClinVar:

NM_173500.4(TTBK2):c.2789G>A (p.Arg930Gln)

Gene: TTBK2 (tau tubulin kinase 2; minus strand). Cytogenetic location: 15q15.2.
Variant type: single nucleotide variant.
Coding change: c.2789G>A on transcript NM_173500.4 (MANE Select); coding-DNA position 2789, G replaced by A.
Protein change: p.Arg930Gln; replaces arginine 930 with glutamine.
Molecular consequence: missense variant.
Genome position (GRCh38, 1-based): chr15:42,752,457, C>T on the plus strand (G>A on the coding strand, the complement: TTBK2 is on the minus strand). VCF-style: chr15-42752457-C-T. GRCh37 (hg19) VCF-style: chr15-43044655-C-T.
Other names: short protein forms R930Q.
Identifiers: ClinVar variation 2050645 (VCV002050645.6), dbSNP rs767042342, ClinGen allele CA7516686.

ClinVar aggregate classification (germline): Conflicting classifications of pathogenicity. Review status: criteria provided, conflicting classifications (1 of 4 stars). 3 submissions from 3 submitters: Uncertain significance (2); Likely benign (1). Last evaluated 2025-08-27.

Conditions:
Inborn genetic diseases. Identifiers: MedGen C0950123, MeSH D030342.

Allele frequency attached by ClinVar (database versions not stated): ExAC 0.00002; gnomAD exomes 0.00003; TOPMed 0.00005; gnomAD 0.00008.
gnomAD v4.1: 55 of 1,614,002 alleles (0.0034%); highest among the groups gnomAD compares: Admixed American, 0.045%; no homozygotes.

Submissions (3):

Labcorp Genetics (formerly Invitae), Labcorp
Classification: Uncertain significance. Last evaluated: 2025-08-27. Review status: criteria provided, single submitter. Criteria: Invitae Variant Classification Sherloc (09022015). Collection method: clinical testing. Allele origin: germline.
Comment: This sequence change replaces arginine, which is basic and polar, with glutamine, which is neutral and polar, at codon 930 of the TTBK2 protein (p.Arg930Gln). This variant is present in population databases (rs767042342, gnomAD 0.05%), and has an allele count higher than expected for a pathogenic variant. This variant has not been reported in the literature in individuals affected with TTBK2-related conditions. ClinVar contains an entry for this variant (Variation ID: 2050645). An algorithm developed to predict the effect of missense changes on protein structure and function (PolyPhen-2) suggests that this variant is likely to be tolerated. In summary, the available evidence is currently insufficient to determine the role of this variant in disease. Therefore, it has been classified as a Variant of Uncertain Significance.

Athena Diagnostics
Classification: Likely benign. Last evaluated: 2024-12-17. Review status: criteria provided, single submitter. Criteria: Athena Diagnostics Criteria. Collection method: clinical testing. Allele origin: unknown.
Comment: The frequency of this variant in the general population is higher than would generally be expected for pathogenic variants in this gene. Computational tools predict this amino acid change may be benign.

Ambry Genetics
Classification: Uncertain significance for Inborn genetic diseases. Last evaluated: 2024-10-07. Review status: criteria provided, single submitter. Criteria: Ambry Variant Classification Scheme 2023. Collection method: clinical testing. Allele origin: germline.